The following is an entry in ClinVar:

ClinVar aggregate classification (germline): Uncertain significance. Review status: criteria provided, multiple submitters, no conflicts (2 of 4 stars). 2 submissions from 2 submitters: Uncertain significance (2). Last evaluated 2024-12-03.

Conditions:
Inborn genetic diseases. Identifiers: MedGen C0950123, MeSH D030342.

Allele frequency attached by ClinVar (database versions not stated): gnomAD 0.00002; TOPMed 0.00002; gnomAD exomes 0.00003.
gnomAD v4.1: 51 of 1,607,860 alleles (0.0032%); highest among the groups gnomAD compares: Non-Finnish European, 0.004%; no homozygotes.

Submissions (2):

Ambry Genetics
Classification: Uncertain significance for Inborn genetic diseases. Last evaluated: 2024-12-03. Review status: criteria provided, single submitter. Criteria: Ambry Variant Classification Scheme 2023. Collection method: clinical testing. Allele origin: germline.

Labcorp Genetics (formerly Invitae), Labcorp
Classification: Uncertain significance. Last evaluated: 2022-10-23. Review status: criteria provided, single submitter. Criteria: Invitae Variant Classification Sherloc (09022015). Collection method: clinical testing. Allele origin: germline.
Comment: In summary, the available evidence is currently insufficient to determine the role of this variant in disease. Therefore, it has been classified as a Variant of Uncertain Significance. Advanced modeling of protein sequence and biophysical properties (such as structural, functional, and spatial information, amino acid conservation, physicochemical variation, residue mobility, and thermodynamic stability) has been performed at Invitae for this missense variant, however the output from this modeling did not meet the statistical confidence thresholds required to predict the impact of this variant on GFAP protein function. This variant has not been reported in the literature in individuals affected with GFAP-related conditions. This variant is present in population databases (no rsID available, gnomAD 0.006%). This sequence change replaces valine, which is neutral and non-polar, with methionine, which is neutral and non-polar, at codon 413 of the GFAP protein (p.Val413Met).

NM_002055.5(GFAP):c.1237G>A (p.Val413Met)

Gene: GFAP (glial fibrillary acidic protein; minus strand). Cytogenetic location: 17q21.31.
Variant type: single nucleotide variant.
Coding change: c.1237G>A on transcript NM_002055.5 (MANE Select); coding-DNA position 1237, G replaced by A.
Protein change: p.Val413Met; replaces valine 413 with methionine.
Molecular consequence: missense variant.
Genome position (GRCh38, 1-based): chr17:44,908,084, C>T on the plus strand (G>A on the coding strand, the complement: GFAP is on the minus strand). VCF-style: chr17-44908084-C-T. GRCh37 (hg19) VCF-style: chr17-42985452-C-T.
Other names: c.1357G>A, p.Val453Met (NM_001363846.2); c.1237G>A (NM_002055.4); short protein forms V453M, V413M.
Identifiers: ClinVar variation 2175616 (VCV002175616.5), dbSNP rs1387041551, ClinGen allele CA399838850.